The following is an entry in ClinVar:

NM_000540.3(RYR1):c.7954dup (p.Trp2652fs)

Gene: RYR1 (ryanodine receptor 1; plus strand). Cytogenetic location: 19q13.2.
Variant type: Duplication.
Coding change: c.7954dup on transcript NM_000540.3 (MANE Select); coding-DNA position 7954, one base duplicated (T; older notation c.7954dupT).
Protein change: p.Trp2652fs; shifts the reading frame from tryptophan 2652.
Molecular consequence: frameshift variant.
Genome position (GRCh38, 1-based): chr19:38,504,247, T duplicated; the last of 2 consecutive T bases (chr19:38,504,246-38,504,247); duplicating either gives the same sequence. VCF-style (leftmost placement, unchanged base first): chr19-38504245-G-GT. GRCh37 (hg19) VCF-style: chr19-38994885-G-GT.
Other names: c.7954dup, p.Trp2652fs (NM_001042723.2); c.7954dupT (NM_000540.2); short protein forms W2652fs.
Identifiers: ClinVar variation 666199 (VCV000666199.13), dbSNP rs1600842678, ClinGen allele CA915953000.

ClinVar aggregate classification (germline): Conflicting classifications of pathogenicity. Review status: criteria provided, conflicting classifications (1 of 4 stars). 4 submissions from 4 submitters: Pathogenic (2); Likely pathogenic (1); Uncertain significance (1). Last evaluated 2025-09-16.

Conditions:
King Denborough syndrome (KDS). Identifiers: MedGen C1840365, MONDO:0020485, OMIM 619542.
Congenital myopathy with fiber type disproportion. Also called: Congenital fiber-type disproportion myopathy; Congenital fiber-type disproportion. Identifiers: Orphanet 2020, MedGen C0546264, MONDO:0009711. Inheritance: all.
Congenital multicore myopathy with external ophthalmoplegia (CMYO1B). Also called: Minicore myopathy with external ophthalmoplegia; Congenital myopathy 1B, autosomal recessive; Minicore myopathy; MULTICORE MYOPATHY; MULTIMINICORE DISEASE WITH EXTERNAL OPHTHALMOPLEGIA. Identifiers: Orphanet 598, Orphanet 98905, MedGen C1850674, MONDO:0009712, OMIM 255320, HP:0003789.
Central core myopathy (CMYO1A). Also called: CONGENITAL MYOPATHY 1A, AUTOSOMAL DOMINANT, WITH SUSCEPTIBILITY TO MALIGNANT HYPERTHERMIA; Central core disease; Myopathy, central fibrillar. Identifiers: Orphanet 597, MedGen C5830701, MONDO:0007294, OMIM 117000.
Malignant hyperthermia, susceptibility to, 1 (MHS1). Also called: RYR1-Related Malignant Hyperthermia Susceptibility; Malignant hyperthermia suceptibility 1; Anesthesia related hyperthermia; Malignant hyperpyrexia; Fulminating hyperpyrexia; Pharmacogenic myopathy. Identifiers: Orphanet 423, MedGen C2930980, MONDO:0007783, OMIM 145600.
RYR1-related disorder. Also called: RYR1-related disorders; RYR1-related condition. Identifiers: MedGen CN239331.

Submissions (4):

Color Diagnostics, LLC DBA Color Health
Classification: Uncertain significance for Malignant hyperthermia, susceptibility to, 1. Last evaluated: 2025-09-16. Review status: criteria provided, single submitter. Criteria: ACMG Guidelines, 2015. Collection method: clinical testing. Allele origin: germline.
Comment: This variant inserts 1 nucleotide in exon 50 of the RYR1 gene, creating a frameshift and premature translation stop signal. This variant is expected to result in an absent or non-functional protein product. To our knowledge, this variant has not been reported in individuals affected with autosomal dominant malignant hyperthermia in the literature. This variant has not been identified in the general population by the Genome Aggregation Database (gnomAD). Loss of RYR1 function due to truncation variants is not an established disease mechanism for autosomal dominant malignant hyperthermia, although it is associated with other phenotype(s) (ClinVar Variation ID: 666199). Therefore, this variant is classified as a Variant of Uncertain Significance for autosomal dominant malignant hyperthermia.

PreventionGenetics, part of Exact Sciences
Classification: Pathogenic for RYR1-related condition. Last evaluated: 2025-01-14. Review status: criteria provided, single submitter. Criteria: ACMG Guidelines, 2015. Collection method: clinical testing. Allele origin: germline.
Comment: The RYR1 c.7954dupT variant is predicted to result in a frameshift and premature protein termination (p.Trp2652Leufs*33). To our knowledge, this variant has not been reported in the literature or a large population database (gnomAD), indicating this variant is rare. Loss of function variants, including frameshift, splicing, and nonsense variants have only been observed for the autosomal recessive myopathy phenotype and are expected to be pathogenic for this phenotype. Loss of function variants are not established for autosomal dominant malignant hyperthermia. Taken together, this variant is interpreted as pathogenic for autosomal recessive RYR1-related disorders and interpreted as uncertain for autosomal dominant malignant hyperthermia.

Labcorp Genetics (formerly Invitae), Labcorp
Classification: Pathogenic for RYR1-related disorder. Last evaluated: 2022-11-01. Review status: criteria provided, single submitter. Criteria: Invitae Variant Classification Sherloc (09022015). Collection method: clinical testing. Allele origin: germline.
Comment: This premature translational stop signal has been observed in individual(s) with clinical features of RYR1-related conditions (Invitae). In at least one individual the data is consistent with being in trans (on the opposite chromosome) from a pathogenic variant. This variant is not present in population databases (gnomAD no frequency). This sequence change creates a premature translational stop signal (p.Trp2652Leufs*33) in the RYR1 gene. It is expected to result in an absent or disrupted protein product. Loss-of-function variants in RYR1 are known to be pathogenic (PMID: 20583297, 20839240, 23919265, 28818389). ClinVar contains an entry for this variant (Variation ID: 666199). For these reasons, this variant has been classified as Pathogenic.

Fulgent Genetics
Classification: Likely pathogenic for Central core myopathy; Malignant hyperthermia, susceptibility to, 1; Congenital myopathy 4A, autosomal dominant; Congenital multicore myopathy with external ophthalmoplegia; King Denborough syndrome. Last evaluated: 2021-10-22. Review status: criteria provided, single submitter. Criteria: ACMG Guidelines, 2015. Collection method: clinical testing. Allele origin: unknown.

Literature cited by the submitters: PubMed 20583297 (cited by Labcorp Genetics (formerly Invitae), Labcorp); PubMed 20839240 (cited by Labcorp Genetics (formerly Invitae), Labcorp); PubMed 23919265 (cited by Labcorp Genetics (formerly Invitae), Labcorp); PubMed 28818389 (cited by Labcorp Genetics (formerly Invitae), Labcorp).